The following is an entry in ClinVar:

NM_001329943.3(KIAA0586):c.94dup (p.His32fs)

Gene: KIAA0586 (KIAA0586; plus strand). Cytogenetic location: 14q23.1.
Variant type: Duplication.
Coding change: c.94dup on transcript NM_001329943.3 (MANE Select); coding-DNA position 94, one base duplicated (C; older notation c.94dupC).
Protein change: p.His32fs; shifts the reading frame from histidine 32.
Molecular consequence: frameshift variant. On other transcripts: intron variant (5).
Genome position (GRCh38, 1-based): chr14:58,428,358, C duplicated. VCF-style (leftmost placement, unchanged base first): chr14-58428357-T-TC. GRCh37 (hg19) VCF-style: chr14-58895075-T-TC.
Other names: c.130dupC (NM_001244189.1, NM_001244189.2); c.130dup, p.His44fs (NM_001244189.2); c.49dup, p.His17fs (NM_001244190.2); c.94dup, p.His32fs (NM_001329944.2, NM_001329946.2, NM_001329947.2 and 1 more transcripts); c.-57+721dup (NM_001244192.2, NM_001244191.2); c.-57+545dup (NM_001364701.2, NM_001329945.2, NM_001364700.1); short protein forms H17fs, H44fs, H32fs.
Identifiers: ClinVar variation 445497 (VCV000445497.37), dbSNP rs555421894, ClinGen allele CA7205265.
Genomic context (GRCh38, chr14:58,428,357, plus strand): 5'-AAAAAAGATTAAGATGCCAGTGAAGAGACTTCGTGAGGTAGTTTCTCAAAATCATGGAGA[T>TC]CATTTGGTTTTGCTGAAAGATGAGTTGCCCTGTGTTCCTCCGGCATTGTCTGCAAATAAA-3'

ClinVar aggregate classification (germline): Pathogenic/Likely pathogenic. Review status: criteria provided, multiple submitters, no conflicts (2 of 4 stars). 14 submissions from 14 submitters: Pathogenic (10); Likely pathogenic (4). Last evaluated 2026-09-25.

Conditions:
Neurodevelopmental disorder. Identifiers: MedGen C1535926, MeSH D065886, MONDO:0700092.
Fetal anomalies with a likely genetic cause.
KIAA0586-related disorder. Also called: KIAA0586- Related disorders; KIAA0586-related condition.
Short-rib thoracic dysplasia 14 with polydactyly (SRTD14). Identifiers: Orphanet 397715, MedGen C4225286, MONDO:0014688, OMIM 616546.
Joubert syndrome 23 (JBTS23). Identifiers: Orphanet 475, MedGen C4084822, MONDO:0014664, OMIM 616490.
Joubert syndrome and related disorders. Identifiers: Orphanet 140874, MedGen C5679612, MONDO:0015369.

Allele frequency attached by ClinVar (database versions not stated): ExAC 0.00027; gnomAD exomes 0.00028 and 0.00063; gnomAD 0.00053 and 0.00056; ESP Exome Variant Server 0.00059; TOPMed 0.00089; 1000 Genomes Project 0.00100; 1000 Genomes Project 30x 0.00109.

Submissions (14):

PreventionGenetics, part of Exact Sciences
Classification: Pathogenic for KIAA0586-related condition. Last evaluated: 2026-09-25. Review status: criteria provided, single submitter. Criteria: ACMG Guidelines, 2015. Collection method: clinical testing. Allele origin: germline.
Comment: The KIAA0586 c.130dupC variant is predicted to result in a frameshift and premature protein termination (p.His44Profs*8). This variant (also known as c.94dup in an alternate transcript) has been reported to be causative for autosomal recessive Joubert syndrome (see for example: Bachmann-Gagescu et al. 2015. PubMed ID: 26096313; Table S2 - Summers et al. 2017. PubMed ID: 28497568). This variant is reported in 0.045% of alleles in individuals of European (Non-Finnish) descent in gnomAD. Frameshift variants in KIAA0586 are expected to be pathogenic and this variant has been classified as pathogenic or likely pathogenic by multiple independent submitters to the ClinVar database (ClinVar Variation ID: 445497). This variant is interpreted as pathogenic.

Genetics Laboratory, Great Ormond Street Hospital NHS Foundation Trust, North Thames Genomic Laboratory Hub
Classification: Pathogenic for Fetal anomalies with a likely genetic cause. Last evaluated: 2026-03-15. Review status: criteria provided, single submitter. Criteria: ACGS Best Practice Guidelines for Variant Classification in Rare Disease 2024 v1.2. Collection method: clinical testing. Allele origin: germline. Affected: yes.
Comment: PS4_moderate, PVS1_very-strong

Victorian Clinical Genetics Services, Murdoch Childrens Research Institute
Classification: Pathogenic for Joubert syndrome 23. Last evaluated: 2026-02-19. Review status: criteria provided, single submitter. Criteria: ACMG Guidelines, 2015. Collection method: clinical testing. Allele origin: germline. Affected: yes.
Comment: This variant is classified as Pathogenic. Evidence in support of pathogenic classification: Variant is predicted to cause nonsense-mediated decay (NMD) and loss of protein (premature termination codon is located at least 54 nucleotides upstream of the final exon-exon junction); Variant is present in gnomAD <0.01 for a recessive condition (v4: 1000 heterozygote(s), 1 homozygote(s)); This variant has strong previous evidence of pathogenicity in unrelated individuals. This variant has been classified as likely pathogenic and pathogenic by many clinical laboratories in ClinVar, and reported in the literature in individuals with Joubert syndrome, including at least one compound heterozygote (PMIDs: 26386044, 26096313); Other NMD-predicted variants comparable to the one identified in this case have very strong previous evidence for pathogenicity (DECIPHER). Additional information: This variant is heterozygous; This gene is associated with autosomal recessive disease; Loss of function is a known mechanism of disease in this gene and is associated with Joubert syndrome 23 (MIM#616490) and short-rib thoracic dysplasia 14 with polydactyly (MIM#616546); Parental origin of the variant is unresolved. Inheritance could not be unambiguously determined by duo analysis.

Clinical Genetics and Genomics, Karolinska University Hospital
Classification: Pathogenic for Joubert syndrome 23. Last evaluated: 2026-02-05. Review status: criteria provided, single submitter. Criteria: ACMG Guidelines, 2015. Collection method: clinical testing. Allele origin: germline. Inheritance: Autosomal recessive inheritance. Affected: yes.

Labcorp Genetics (formerly Invitae), Labcorp
Classification: Pathogenic for Joubert syndrome 23; Short-rib thoracic dysplasia 14 with polydactyly. Last evaluated: 2026-01-22. Review status: criteria provided, single submitter. Criteria: Invitae Variant Classification Sherloc (09022015). Collection method: clinical testing. Allele origin: germline.
Comment: This sequence change creates a premature translational stop signal (p.His44Profs*8) in the KIAA0586 gene. It is expected to result in an absent or disrupted protein product. Loss-of-function variants in KIAA0586 are known to be pathogenic (PMID: 26096313, 26166481, 26386044). This variant is present in population databases (rs555421894, gnomAD 0.04%). This premature translational stop signal has been observed in individual(s) with features of both Joubert syndrome and Jeune asphyxiating thoracic dystrophy and Joubert syndrome (PMID: 26096313, 26386044). In at least one individual the data is consistent with being in trans (on the opposite chromosome) from a pathogenic variant. ClinVar contains an entry for this variant (Variation ID: 445497). Algorithms developed to predict the effect of sequence changes on RNA splicing suggest that this variant may disrupt the consensus splice site. For these reasons, this variant has been classified as Pathogenic.

Variantyx, Inc.
Classification: Pathogenic for Joubert syndrome 23. Last evaluated: 2026-01-06. Review status: criteria provided, single submitter. Criteria: Variantyx Assertion Criteria 2022. Collection method: clinical testing. Allele origin: germline. Inheritance: Autosomal recessive inheritance. Affected: no.
Comment: This is a frameshift variant in the KIAA0586 gene (OMIM: 610178). Pathogenic variants in this gene have been associated with autosomal recessive Joubert syndrome 23. This variant introduces a premature termination codon in exon 1 out of 31 and is expected to result in loss of function, which is a known disease mechanism for KIAA0586 in this disorder (PMID: 26096313, 26166481, 26386044) (PVS1). This variant has been identified in the homozygous or compound heterozygous state in at least one individual reported in the published literature (PMID: 26386044) (PM3) and it has a 0.0740% maximum allele frequency in non-founder control populations (PM2). Based on the current evidence, this variant is classified as pathogenic for autosomal recessive Joubert syndrome 23.

Blueprint Genetics
Classification: Likely pathogenic for KIAA0586-related disorders. Last evaluated: 2024-08-30. Review status: criteria provided, single submitter. Criteria: ACMG Guidelines, 2015. Collection method: clinical testing. Allele origin: germline. Affected: yes. Observed: 5 variant alleles.

Women's Health and Genetics/Laboratory Corporation of America, LabCorp
Classification: Pathogenic for Joubert syndrome and related disorders. Last evaluated: 2023-10-11. Review status: criteria provided, single submitter. Criteria: LabCorp Variant Classification Summary - May 2015. Collection method: clinical testing. Allele origin: germline.
Comment: Variant summary: KIAA0586 c.130dupC (p.His44ProfsX8) results in a premature termination codon, predicted to cause a truncation of the encoded protein or absence of the protein due to nonsense mediated decay, which are commonly known mechanisms for disease. The variant allele was found at a frequency of 0.00028 in 249262 control chromosomes. c.130dupC has been reported in the literature in individuals affected with Joubert Syndrome And Related Disorders, including at least one individual with a compound heterozygous genotype (e.g. Summers_2017). To our knowledge, no experimental evidence demonstrating an impact on protein function has been reported. The following publication has been ascertained in the context of this evaluation (PMID: 28497568). Eight submitters have cited clinical-significance assessments for this variant to ClinVar after 2014, classifying the variant as pathogenic (n=4), likely pathogenic (n=3), or uncertain significance (n=1). Based on the evidence outlined above, the variant was classified as pathogenic.

Revvity Omics, Revvity
Classification: Pathogenic. Last evaluated: 2023-03-07. Review status: criteria provided, single submitter. Criteria: ACMG Guidelines, 2015. Collection method: clinical testing. Allele origin: germline.

GeneDx
Classification: Pathogenic. Last evaluated: 2022-05-27. Review status: criteria provided, single submitter. Criteria: GeneDx Variant Classification Process June 2021. Collection method: clinical testing. Allele origin: germline. Affected: yes.
Comment: Frameshift variant predicted to result in protein truncation or nonsense mediated decay in a gene for which loss-of-function is a known mechanism of disease; This variant is associated with the following publications: (PMID: 26096313, 28497568, 26386044, 27535533)

Laboratory of Molecular Genetics (Pr. Bezieau's lab), CHU de Nantes
Classification: Pathogenic for Neurodevelopmental disorder. Last evaluated: 2021-06-28. Review status: criteria provided, single submitter. Criteria: ACMG Guidelines, 2015. Collection method: clinical testing. Allele origin: germline. Affected: yes.

New York Genome Center
Classification: Likely pathogenic for Joubert syndrome 23. Last evaluated: 2019-09-13. Review status: criteria provided, single submitter. Criteria: NYGC Assertion Criteria 2020. Collection method: clinical testing. Allele origin: germline. Inheritance: Autosomal recessive inheritance. Observed: 1 heterozygote. Study: CSER-NYCKidSeq.

Center for Pediatric Genomic Medicine, Children's Mercy Hospital and Clinics
Classification: Likely pathogenic. Last evaluated: 2017-03-20. Review status: criteria provided, single submitter. Criteria: ACMG Guidelines, 2015. Collection method: clinical testing. Allele origin: germline.

Eurofins Ntd Llc (ga)
Classification: Likely pathogenic. Last evaluated: 2016-11-22. Review status: criteria provided, single submitter. Criteria: EGL Classification Definitions 2015. Collection method: clinical testing. Allele origin: germline. Observed: 1 variant allele, 1 heterozygote.

Literature cited by the submitters: PubMed 26386044 (cited by 3 submitters); PubMed 26096313 (cited by 3 submitters); PubMed 26166481 (cited by Labcorp Genetics (formerly Invitae), Labcorp and Variantyx, Inc.); PubMed 28497568 (cited by Women's Health and Genetics/Laboratory Corporation of America, LabCorp).